The following is an entry in ClinVar:

ClinVar aggregate classification (germline): Conflicting classifications of pathogenicity. Review status: criteria provided, conflicting classifications (1 of 4 stars). 5 submissions from 5 submitters: Uncertain significance (4); Likely benign (1). Last evaluated 2025-12-28.

Conditions:
Hereditary cancer-predisposing syndrome. Also called: Neoplastic Syndromes, Hereditary; Hereditary neoplastic syndrome; Tumor predisposition; Hereditary Cancer Syndrome. Identifiers: Orphanet 140162, MedGen C0027672, MeSH D009386, MONDO:0015356.
Familial cancer of breast. Also called: BREAST CANCER, FAMILIAL; Hereditary breast cancer; hereditary breast carcinoma. Identifiers: Orphanet 227535, MedGen C0346153, MONDO:0016419, OMIM 114480. Disease mechanism: loss of function.

gnomAD v4.1: 6 of 1,613,988 alleles (0.00037%); highest among the groups gnomAD compares: Admixed American, 0.0017%; no homozygotes.

Submissions (6):

Labcorp Genetics (formerly Invitae), Labcorp
Classification: Likely benign for Familial cancer of breast. Last evaluated: 2025-12-28. Review status: criteria provided, single submitter. Criteria: Invitae Variant Classification Sherloc (09022015). Collection method: clinical testing. Allele origin: germline.

GeneDx
Classification: Uncertain significance. Last evaluated: 2025-07-16. Review status: criteria provided, single submitter. Criteria: GeneDx Variant Classification Process June 2021. Collection method: clinical testing. Allele origin: germline.
Comment: In silico analysis supports that this missense variant has a deleterious effect on protein structure/function; Not observed at significant frequency in large population cohorts (gnomAD); This variant is associated with the following publications: (PMID: 28779002, 24485656, 19609323, 20871615, 35585550, 36243179, Zurera2025[CaseReport])

Quest Diagnostics Nichols Institute San Juan Capistrano
Classification: Uncertain significance. Last evaluated: 2024-05-03. Review status: criteria provided, single submitter. Criteria: Quest Diagnostics criteria. Collection method: clinical testing. Allele origin: unknown.
Comment: The PALB2 c.3433G>A (p.Gly1145Ser) variant has been reported in the published literature in individuals affected with breast cancer (PMID: 28779002 (2017), 30638972 (2019), 33471991 (2021), see also LOVD) as well as a pediatric individual affected with acute myeloid leukemia (AML) (PMID: 26580448 (2015)). This variant has not been reported in large, multi-ethnic general populations (Genome Aggregation Database). Analysis of this variant using bioinformatics tools for the prediction of the effect of amino acid changes on protein structure and function yielded conflicting predictions that this variant is benign or damaging. Additional analysis using software algorithms for the prediction of the effect of nucleotide changes on PALB2 mRNA splicing yielded predictions that this variant may result in the gain of a cryptic splice site without affecting the natural splice sites. Based on the available information, we are unable to determine the clinical significance of this variant.

Ambry Genetics
Classification: Uncertain significance for Hereditary cancer-predisposing syndrome. Last evaluated: 2024-02-08. Review status: criteria provided, single submitter. Criteria: Ambry Variant Classification Scheme 2023. Collection method: clinical testing. Allele origin: germline.
Comment: The p.G1145S variant (also known as c.3433G>A), located in coding exon 13 of the PALB2 gene, results from a G to A substitution at nucleotide position 3433. The glycine at codon 1145 is replaced by serine, an amino acid with similar properties. This alteration was identified in 2 of 13087 cases with breast cancer and in none of the 5488 control individuals in the UK (Decker B et al. J Med Genet, 2017 Nov;54:732-741). This amino acid position is highly conserved in available vertebrate species. In addition, the in silico prediction for this alteration is inconclusive. Based on the available evidence, the clinical significance of this alteration remains unclear.

Color Diagnostics, LLC DBA Color Health
Classification: Uncertain significance for Hereditary cancer-predisposing syndrome. Last evaluated: 2020-12-22. Review status: criteria provided, single submitter. Criteria: ACMG Guidelines, 2015. Collection method: clinical testing. Allele origin: germline.
Comment: This missense variant replaces glycine with serine at codon 1145 of the PALB2 protein. Computational prediction suggests that this variant may not impact protein structure and function (internally defined REVEL score threshold <= 0.5, PMID: 27666373). Splice site prediction tools suggest that this variant may not impact RNA splicing. To our knowledge, functional studies have not been reported for this variant. This variant protein has been reported in at least one individual affected with breast cancer (PMID: 28779002, 30638972) and one individual affected with pediatric cancer (PMID: 26580448). This variant has not been identified in the general population by the Genome Aggregation Database (gnomAD). The available evidence is insufficient to determine the role of this variant in disease conclusively. Therefore, this variant is classified as a Variant of Uncertain Significance.

Dr. Peter K. Rogan Lab, Western University
No classification provided (evidence only). Condition: Malignant lymphoma, large B-cell, diffuse. Review status: no classification provided. Collection method: in vitro. Allele origin: not applicable. Functional consequence: retained intron. Not counted in ClinVar's aggregate classification.

Literature cited by the submitters: PubMed 28779002 (cited by Quest Diagnostics Nichols Institute San Juan Capistrano and Ambry Genetics); PubMed 30638972 (cited by Quest Diagnostics Nichols Institute San Juan Capistrano); PubMed 26580448 (cited by Quest Diagnostics Nichols Institute San Juan Capistrano); PubMed 33471991 (cited by Quest Diagnostics Nichols Institute San Juan Capistrano).

NM_024675.4(PALB2):c.3433G>A (p.Gly1145Ser)

Gene: PALB2 (partner and localizer of BRCA2; minus strand). Cytogenetic location: 16p12.2.
Variant type: single nucleotide variant.
Coding change: c.3433G>A on transcript NM_024675.4 (MANE Select); coding-DNA position 3433, G replaced by A.
Protein change: p.Gly1145Ser; replaces glycine 1145 with serine.
Molecular consequence: missense variant.
Genome position (GRCh38, 1-based): chr16:23,603,587, C>T on the plus strand (G>A on the coding strand, the complement: PALB2 is on the minus strand). VCF-style: chr16-23603587-C-T. GRCh37 (hg19) VCF-style: chr16-23614908-C-T.
Other names: short protein forms G1145S.
Identifiers: ClinVar variation 186101 (VCV000186101.21), dbSNP rs180177137, ClinGen allele CA193870.